The following is an entry in ClinVar:

NM_000334.4(SCN4A):c.1698G>T (p.Lys566Asn)

Gene: SCN4A (sodium voltage-gated channel alpha subunit 4; minus strand). Cytogenetic location: 17q23.3.
Variant type: single nucleotide variant.
Coding change: c.1698G>T on transcript NM_000334.4 (MANE Select); coding-DNA position 1698, G replaced by T.
Protein change: p.Lys566Asn; replaces lysine 566 with asparagine.
Molecular consequence: missense variant.
Genome position (GRCh38, 1-based): chr17:63,961,340, C>A on the plus strand (G>T on the coding strand, the complement: SCN4A is on the minus strand). VCF-style: chr17-63961340-C-A. GRCh37 (hg19) VCF-style: chr17-62038700-C-A.
Other names: short protein forms K566N.
Identifiers: ClinVar variation 1002768 (VCV001002768.8), dbSNP rs1415316385, ClinGen allele CA400633555.

ClinVar aggregate classification (germline): Uncertain significance. Review status: criteria provided, multiple submitters, no conflicts (2 of 4 stars). 2 submissions from 2 submitters: Uncertain significance (2). Last evaluated 2025-11-10.

Conditions:
Potassium-aggravated myotonia. Also called: Myotonia congenita, atypical, acetazolamide-responsive; MYOTONIA CONGENITA, ACETAZOLAMIDE-RESPONSIVE; MYOTONIA CONGENITA, ATYPICAL; SODIUM CHANNEL MUSCLE DISEASE. Identifiers: Orphanet 612, Orphanet 99734, Orphanet 99735, Orphanet 99736, MedGen C2931826, MONDO:0018959, OMIM 608390.
Congenital myasthenic syndrome 16. Identifiers: Orphanet 590, MedGen C3280112, MONDO:0013620, OMIM 614198.
Paramyotonia congenita of Von Eulenburg. Also called: Paramyotonia Congenita; PARALYSIS PERIODICA PARAMYOTONICA; Eulenburg disease; Myotonia congenita intermittens; Von Eulenburg paramyotonia congenita. Identifiers: Orphanet 684, MedGen C0221055, MONDO:0008195, OMIM 168300. Disease mechanism: loss of function.
Hypokalemic periodic paralysis, type 2 (HOKPP2). Identifiers: Orphanet 681, MedGen C2750061, MONDO:0013234, OMIM 613345.
Hypokalemic periodic paralysis, type 1. Also called: Hypokalemic Periodic Paralysis Type 1 (AD); HypoPP. Identifiers: Orphanet 681, MedGen C3714580, MONDO:0042979, OMIM 170400.
Hyperkalemic periodic paralysis. Also called: Familial hyperkalemic periodic paralysis; Gamstorp disease. Identifiers: Orphanet 682, MedGen C0238357, MONDO:0008224, OMIM 170500, HP:0007215.

Allele frequency attached by ClinVar (database versions not stated): gnomAD exomes 0.00001; TOPMed 0.00001.

Submissions (2):

Labcorp Genetics (formerly Invitae), Labcorp
Classification: Uncertain significance for Hyperkalemic periodic paralysis. Last evaluated: 2025-11-10. Review status: criteria provided, single submitter. Criteria: Invitae Variant Classification Sherloc (09022015). Collection method: clinical testing. Allele origin: germline.
Comment: This sequence change replaces lysine, which is basic and polar, with asparagine, which is neutral and polar, at codon 566 of the SCN4A protein (p.Lys566Asn). This variant is present in population databases (no rsID available, gnomAD 0.01%). This variant has not been reported in the literature in individuals affected with SCN4A-related conditions. ClinVar contains an entry for this variant (Variation ID: 1002768). Invitae Evidence Modeling of protein sequence and biophysical properties (such as structural, functional, and spatial information, amino acid conservation, physicochemical variation, residue mobility, and thermodynamic stability) indicates that this missense variant is not expected to disrupt SCN4A protein function with a negative predictive value of 95%. In summary, the available evidence is currently insufficient to determine the role of this variant in disease. Therefore, it has been classified as a Variant of Uncertain Significance.

Fulgent Genetics
Classification: Uncertain significance for Paramyotonia congenita of Von Eulenburg; Hypokalemic periodic paralysis, type 1; Hyperkalemic periodic paralysis; Potassium-aggravated myotonia; Hypokalemic periodic paralysis, type 2; Congenital myasthenic syndrome 16. Last evaluated: 2021-08-16. Review status: criteria provided, single submitter. Criteria: ACMG Guidelines, 2015. Collection method: clinical testing. Allele origin: unknown.